The following is an entry in ClinVar:

ClinVar aggregate classification (germline): Pathogenic (1 of 4 stars; one submission).

Submission:

CeGaT Center for Human Genetics Tuebingen
Classification: Pathogenic. Last evaluated: 2026-08-01. Review status: criteria provided, single submitter. Criteria: CeGaT Center For Human Genetics Tuebingen Variant Classification Criteria Version 2. Collection method: clinical testing. Allele origin: germline. Affected: yes. Observed: 1 variant allele.
Comment: WT1: PVS1, PM2

NM_024426.6(WT1):c.632dup (p.Glu212fs)

Genes: WT1 (WT1 transcription factor; minus strand), LOC107982234 (WT1/WT1-AS bi-directional promoter region; plus strand). Cytogenetic location: 11p13.
Variant type: Duplication.
Coding change: c.632dup on transcript NM_024426.6 (MANE Select); coding-DNA position 632, one base duplicated (T; older notation c.632dupT).
Protein change: p.Glu212fs; shifts the reading frame from glutamic acid 212.
Molecular consequence: frameshift variant. On other transcripts: non-coding transcript variant (2).
Genome position (GRCh38, 1-based): chr11:32,434,729, A duplicated on the plus strand (T on the coding strand, the reverse complement: WT1 is on the minus strand). VCF-style (leftmost placement, unchanged base first): chr11-32434728-G-GA. GRCh37 (hg19) VCF-style: chr11-32456274-G-GA.
Other names: c.632dup, p.Glu212fs (NM_000378.6, NM_001407044.1, NM_001407045.1 and 6 more transcripts); c.413dup, p.Glu139fs (NM_001429031.1, NM_001429032.1, NM_001429033.1 and 1 more transcripts); short protein forms E139fs, E212fs.
Identifiers: ClinVar variation 5040592 (VCV005040592.1).
Genomic context (GRCh38, chr11:32,434,728, plus strand): 5'-CGCGCGTAGGGGGCGCTCCCCGGCCTACTTACCCTGATTGCGAATAGCGGGCTGGCTCTC[G>GA]AGGCAGCTGGGCAGGTAGGGCGCGTTAGGAAACATCCTGGCCTGGCCGGATGACGCCTGG-3'